The following is an entry in ClinVar:

ClinVar aggregate classification (germline): Pathogenic/Likely pathogenic. Review status: criteria provided, multiple submitters, no conflicts (2 of 4 stars). 6 submissions from 6 submitters: Pathogenic (5); Likely pathogenic (1). Last evaluated 2025-12-27.

Conditions:
CPLANE1-related disorders.
Joubert syndrome 17 (JBTS17). Identifiers: Orphanet 475, MedGen C3553264, MONDO:0013824, OMIM 614615.
Orofaciodigital syndrome type 6 (OFD6). Also called: OROFACIODIGITAL SYNDROME VI; OFDS VI; POLYDACTYLY, CLEFT LIP/PALATE OR LINGUAL LUMP, AND PSYCHOMOTOR RETARDATION; VARADI SYNDROME; VARADI-PAPP SYNDROME; Oral-facial-digital syndrome type 6. Identifiers: Orphanet 2754, MedGen C2745997, MONDO:0010176, OMIM 277170.
Joubert syndrome and related disorders. Identifiers: Orphanet 140874, MedGen C5679612, MONDO:0015369.
Inborn genetic diseases. Identifiers: MedGen C0950123, MeSH D030342.

Submissions (6):

Labcorp Genetics (formerly Invitae), Labcorp
Classification: Pathogenic. Last evaluated: 2025-12-27. Review status: criteria provided, single submitter. Criteria: Invitae Variant Classification Sherloc (09022015). Collection method: clinical testing. Allele origin: germline.
Comment: This sequence change creates a premature translational stop signal (p.Tyr607Leufs*12) in the CPLANE1 gene. It is expected to result in an absent or disrupted protein product. Loss-of-function variants in CPLANE1 are known to be pathogenic (PMID: 24178751, 26092869). This variant is not present in population databases (gnomAD no frequency). This variant has not been reported in the literature in individuals affected with CPLANE1-related conditions. ClinVar contains an entry for this variant (Variation ID: 194120). For these reasons, this variant has been classified as Pathogenic.

Ambry Genetics
Classification: Pathogenic for Inborn genetic diseases. Last evaluated: 2025-05-13. Review status: criteria provided, single submitter. Criteria: Ambry Variant Classification Scheme 2023. Collection method: clinical testing. Allele origin: germline.
Comment: The c.1819dupT (p.Y607Lfs*12) alteration, located in exon 12 (coding exon 11) of the C5orf42 gene, consists of a duplication of T at position 1819, causing a translational frameshift with a predicted alternate stop codon after 12 amino acids. This alteration is expected to result in loss of function by premature protein truncation or nonsense-mediated mRNA decay. This variant was not reported in population-based cohorts in the Genome Aggregation Database (gnomAD). This variant has been identified in conjunction with another C5orf42 variant in an individual with features consistent with CPLANE1-related ciliopathy; the variants were identified in trans (Fang, 2023). Based on the available evidence, this alteration is classified as pathogenic.

Fulgent Genetics
Classification: Pathogenic for Orofaciodigital syndrome type 6; Joubert syndrome 17. Last evaluated: 2024-02-06. Review status: criteria provided, single submitter. Criteria: ACMG Guidelines, 2015. Collection method: clinical testing. Allele origin: germline.

Women's Health and Genetics/Laboratory Corporation of America, LabCorp
Classification: Pathogenic for Joubert syndrome and related disorders. Last evaluated: 2023-12-13. Review status: criteria provided, single submitter. Criteria: LabCorp Variant Classification Summary - May 2015. Collection method: clinical testing. Allele origin: germline.
Comment: Variant summary: CPLANE1 c.1819dupT (p.Tyr607LeufsX12) results in a premature termination codon, predicted to cause a truncation of the encoded protein or absence of the protein due to nonsense mediated decay, which are commonly known mechanisms for disease. The variant allele was found at a frequency of 1.2e-05 in 1539920 control chromosomes. This frequency is not significantly higher than estimated for a pathogenic variant in CPLANE1 causing Joubert Syndrome And Related Disorders (1.2e-05 vs 0.0015), allowing no conclusion about variant significance. c.1819dupT has been reported in the literature in individuals affected with Joubert Syndrome And Related Disorders (Zhang_2021). To our knowledge, no experimental evidence demonstrating an impact on protein function has been reported. The following publication have been ascertained in the context of this evaluation (PMID: 34091942). Two submitters have cited clinical-significance assessments for this variant to ClinVar after 2014. All submitters classified the variant as pathogenic/likely pathogenic. Based on the evidence outlined above, the variant was classified as pathogenic.

Blueprint Genetics
Classification: Likely pathogenic for CPLANE1-related disorders. Last evaluated: 2022-09-01. Review status: criteria provided, single submitter. Criteria: ACMG Guidelines, 2015. Collection method: clinical testing. Allele origin: germline. Affected: yes. Observed: 2 variant alleles.

Eurofins Ntd Llc (ga)
Classification: Pathogenic. Last evaluated: 2014-12-19. Review status: criteria provided, single submitter. Criteria: EGL Classification Definitions. Collection method: clinical testing. Allele origin: germline. Observed: 1 variant allele, 1 heterozygote.

Literature cited by the submitters: PubMed 24178751 (cited by Labcorp Genetics (formerly Invitae), Labcorp); PubMed 26092869 (cited by Labcorp Genetics (formerly Invitae), Labcorp); PubMed 37735380 (cited by Ambry Genetics); PubMed 34091942 (cited by Women's Health and Genetics/Laboratory Corporation of America, LabCorp).

NM_001384732.1(CPLANE1):c.1819dup (p.Tyr607fs)

Gene: CPLANE1 (ciliogenesis and planar polarity effector complex subunit 1; minus strand). Cytogenetic location: 5p13.2.
Variant type: Duplication.
Coding change: c.1819dup on transcript NM_001384732.1 (MANE Select); coding-DNA position 1819, one base duplicated (T; older notation c.1819dupT).
Protein change: p.Tyr607fs; shifts the reading frame from tyrosine 607.
Molecular consequence: frameshift variant.
Genome position (GRCh38, 1-based): chr5:37,226,776, A duplicated on the plus strand (T on the coding strand, the reverse complement: CPLANE1 is on the minus strand); the first of 8 consecutive A bases (chr5:37,226,776-37,226,783); duplicating any one gives the same sequence. VCF-style (leftmost placement, unchanged base first): chr5-37226775-T-TA. GRCh37 (hg19) VCF-style: chr5-37226877-T-TA.
Other names: c.1819dupT (NM_023073.3, NM_023073.4); c.1819dup, p.Tyr607fs (NM_023073.4); short protein forms Y607fs.
Identifiers: ClinVar variation 194120 (VCV000194120.17), dbSNP rs777686211, ClinGen allele CA274980.
Genomic context (GRCh38, chr5:37,226,775, plus strand): 5'-GAGCTTTTGCTTAAAACAAGATCAAGTTTAGGAAAAGGACATTTTATAAATTGAAGAATG[T>TA]AAAAAAAATGAGTGATACAAACTACTATGTAATTTAACATTAAATTTTTTTCTGTCACAG-3'